The following is an entry in ClinVar:

ClinVar aggregate classification (germline): Pathogenic (1 of 4 stars; one submission).

Conditions:
Glycine encephalopathy. Also called: Non-ketotic hyperglycinemia; Nonketotic hyperglycinemia. Identifiers: Orphanet 407, MedGen C0751748, MONDO:0011612, HP:0008288.

Submission:

Labcorp Genetics (formerly Invitae), Labcorp
Classification: Pathogenic for Glycine encephalopathy. Last evaluated: 2017-10-03. Review status: criteria provided, single submitter. Criteria: Invitae Variant Classification Sherloc (09022015). Collection method: clinical testing. Allele origin: germline.
Comment: For these reasons, this variant has been classified as Pathogenic. Loss-of-function variants in GLDC are known to be pathogenic (PMID: 16601880). This variant has not been reported in the literature in individuals with GLDC-related disease. This variant is an out-of-frame deletion of the genomic region encompassing exons 16-17 of the GLDC gene. This is expected to create a premature translational stop signal and result in an absent or disrupted protein product.

Literature cited by the submitters: PubMed 16601880.

NC_000009.12:g.(?_6558539)_(6565449_?)del

Gene: GLDC (glycine decarboxylase; minus strand). Cytogenetic location: 9p24.1.
Variant type: Deletion.
Identifiers: ClinVar variation 531791 (VCV000531791.8).